The following is an entry in ClinVar:

NM_001393504.1(MAST3):c.2549C>T (p.Ala850Val)

Gene: MAST3 (microtubule associated serine/threonine kinase 3; plus strand). Cytogenetic location: 19p13.11.
Variant type: single nucleotide variant.
Coding change: c.2549C>T on transcript NM_001393504.1 (MANE Select); coding-DNA position 2549, C replaced by T.
Protein change: p.Ala850Val; replaces alanine 850 with valine.
Molecular consequence: missense variant.
Genome position (GRCh38, 1-based): chr19:18,143,972, C>T. VCF-style: chr19-18143972-C-T. GRCh37 (hg19) VCF-style: chr19-18254782-C-T.
Other names: c.2462C>T, p.Ala821Val (NM_001393514.1, NM_015016.2); c.2459C>T, p.Ala820Val (NM_001393515.1, NM_001393520.1); c.2483C>T, p.Ala828Val (NM_001393516.1, NM_001393508.1); c.2480C>T, p.Ala827Val (NM_001393517.1, NM_001393518.1, NM_001393509.1 and 2 more transcripts); c.2477C>T, p.Ala826Val (NM_001393519.1, NM_001393511.1); c.2435C>T, p.Ala812Val (NM_001393521.1); c.2501C>T, p.Ala834Val (NM_001393513.1, NM_001393506.1); c.2573C>T, p.Ala858Val (NM_001393501.1); and 4 more; short protein forms A812V, A820V, A821V, A826V, A827V, A828V, A834V, A843V.
Identifiers: ClinVar variation 2631402 (VCV002631402.2), dbSNP rs766518442, ClinGen allele CA9306226.

ClinVar aggregate classification (germline): Uncertain significance (1 of 4 stars; one submission).

Conditions:
MAST3-related disorder.

Allele frequency attached by ClinVar (database versions not stated): TOPMed 0.00001.

Submission:

PreventionGenetics, part of Exact Sciences
Classification: Uncertain significance for MAST3-related condition. Last evaluated: 2026-01-14. Review status: criteria provided, single submitter. Criteria: ACMG Guidelines, 2015. Collection method: clinical testing. Allele origin: germline.
Comment: The MAST3 c.2462C>T variant is predicted to result in the amino acid substitution p.Ala821Val. To our knowledge, this variant has not been reported in the literature. This variant is reported in 0.0012% of alleles in individuals of European (non-Finnish) descent in gnomAD. At this time, the clinical significance of this variant is uncertain due to the absence of conclusive functional and genetic evidence.